The following is an entry in ClinVar:

ClinVar aggregate classification (germline): Uncertain significance. Review status: criteria provided, multiple submitters, no conflicts (2 of 4 stars). 2 submissions from 2 submitters: Uncertain significance (2). Last evaluated 2024-01-08.

Conditions:
Xanthinuria type II. Also called: Xanthine dehydrogenase and aldehyde oxidase combined deficiency of; XDH and AOX dual deficiency. Identifiers: Orphanet 3467, Orphanet 93602, MedGen C1863688, MONDO:0011346, OMIM 603592.
Hereditary xanthinuria type 1 (XAN1). Identifiers: Orphanet 3467, Orphanet 93601, MedGen C0268118, MONDO:0010209, OMIM 278300.

Allele frequency attached by ClinVar (database versions not stated): TOPMed 0.00002; gnomAD 0.00007.
gnomAD v4.1: 111 of 1,614,066 alleles (0.0069%); highest among the groups gnomAD compares: Non-Finnish European, 0.0087%; no homozygotes.

Submissions (2):

Fulgent Genetics
Classification: Uncertain significance for Hereditary xanthinuria type 1. Last evaluated: 2024-01-08. Review status: criteria provided, single submitter. Criteria: ACMG Guidelines, 2015. Collection method: clinical testing. Allele origin: germline.

Labcorp Genetics (formerly Invitae), Labcorp
Classification: Uncertain significance for Xanthinuria type II. Last evaluated: 2022-07-06. Review status: criteria provided, single submitter. Criteria: Invitae Variant Classification Sherloc (09022015). Collection method: clinical testing. Allele origin: germline.
Comment: This sequence change replaces valine, which is neutral and non-polar, with leucine, which is neutral and non-polar, at codon 672 of the XDH protein (p.Val672Leu). This variant is present in population databases (rs756013401, gnomAD 0.006%). This variant has not been reported in the literature in individuals affected with XDH-related conditions. ClinVar contains an entry for this variant (Variation ID: 1465744). Algorithms developed to predict the effect of missense changes on protein structure and function are either unavailable or do not agree on the potential impact of this missense change (SIFT: "Deleterious"; PolyPhen-2: "Benign"; Align-GVGD: "Class C0"). In summary, the available evidence is currently insufficient to determine the role of this variant in disease. Therefore, it has been classified as a Variant of Uncertain Significance.

NM_000379.4(XDH):c.2014G>C (p.Val672Leu)

Gene: XDH (xanthine dehydrogenase; minus strand). Cytogenetic location: 2p23.1.
Variant type: single nucleotide variant.
Coding change: c.2014G>C on transcript NM_000379.4 (MANE Select); coding-DNA position 2014, G replaced by C.
Protein change: p.Val672Leu; replaces valine 672 with leucine.
Molecular consequence: missense variant.
Genome position (GRCh38, 1-based): chr2:31,368,627, C>G on the plus strand (G>C on the coding strand, the complement: XDH is on the minus strand). VCF-style: chr2-31368627-C-G. GRCh37 (hg19) VCF-style: chr2-31591493-C-G.
Other names: short protein forms V672L.
Identifiers: ClinVar variation 1465744 (VCV001465744.4), dbSNP rs756013401, ClinGen allele CA1598987.